The following is an entry in ClinVar:

ClinVar aggregate classification (germline): Uncertain significance (1 of 4 stars; one submission).

Submission:

GeneDx
Classification: Uncertain significance. Last evaluated: 2023-04-27. Review status: criteria provided, single submitter. Criteria: GeneDx Variant Classification Process June 2021. Collection method: clinical testing. Allele origin: germline. Affected: yes.
Comment: Not observed at significant frequency in large population cohorts (gnomAD); In silico analysis supports that this missense variant has a deleterious effect on protein structure/function; Has not been previously published as pathogenic or benign to our knowledge

NM_014991.6(WDFY3):c.9691G>C (p.Val3231Leu)

Gene: WDFY3 (WD repeat and FYVE domain containing 3; minus strand). Cytogenetic location: 4q21.23.
Variant type: single nucleotide variant.
Coding change: c.9691G>C on transcript NM_014991.6 (MANE Select); coding-DNA position 9691, G replaced by C.
Protein change: p.Val3231Leu; replaces valine 3231 with leucine.
Molecular consequence: missense variant.
Genome position (GRCh38, 1-based): chr4:84,683,978, C>G on the plus strand (G>C on the coding strand, the complement: WDFY3 is on the minus strand). VCF-style: chr4-84683978-C-G. GRCh37 (hg19) VCF-style: chr4-85605131-C-G.
Other names: short protein forms V3231L.
Identifiers: ClinVar variation 3343166 (VCV003343166.1).